The following is an entry in ClinVar:

ClinVar aggregate classification (germline): Benign. Review status: criteria provided, multiple submitters, no conflicts (2 of 4 stars). 2 submissions from 2 submitters: Benign (2). Last evaluated 2018-01-13.

Conditions:
Sick sinus syndrome 2, autosomal dominant (SSS2). Also called: SICK SINUS SYNDROME 2; SICK SINUS SYNDROME 2 WITH OR WITHOUT CARDIAC NONCOMPACTION AND/OR ASCENDING AORTA DILATION; ATRIAL FIBRILLATION WITH BRADYARRHYTHMIA; SINUS BRADYCARDIA SYNDROME, FAMILIAL, AUTOSOMAL DOMINANT; SINUS NODE DISEASE, FAMILIAL, AUTOSOMAL DOMINANT. Identifiers: Orphanet 166282, MedGen C1834144, MONDO:0008102, OMIM 163800.

Allele frequency attached by ClinVar (database versions not stated): gnomAD 0.28353 and 0.29129; TOPMed 0.28702; 1000 Genomes Project 30x 0.31683; 1000 Genomes Project 0.32648; gnomAD exomes 0.33091.
gnomAD v4.1: 78,283 of 253,966 alleles (31%); highest among the groups gnomAD compares: East Asian, 54%; 13,592 homozygotes.

Submissions (2):

Illumina Laboratory Services, Illumina
Classification: Benign for Sick sinus syndrome 2, autosomal dominant. Last evaluated: 2018-01-13. Review status: criteria provided, single submitter. Criteria: ICSL Variant Classification Criteria 13 December 2019. Collection method: clinical testing. Allele origin: germline.
Comment: This variant was observed in the ICSL laboratory as part of a predisposition screen in an ostensibly healthy population. It had not been previously curated by ICSL or reported in the Human Gene Mutation Database (HGMD: prior to June 1st, 2018), and was therefore a candidate for classification through an automated scoring system. Utilizing variant allele frequency, disease prevalence and penetrance estimates, and inheritance mode, an automated score was calculated to assess if this variant is too frequent to cause the disease. Based on the score and internal cut-off values, a variant classified as benign is not then subjected to further curation. The score for this variant resulted in a classification of benign for this disease.

Breakthrough Genomics
Classification: Benign. Review status: criteria provided, single submitter. Criteria: ACMG Guidelines, 2015. Collection method: not provided. Allele origin: germline. Inheritance: Autosomal dominant inheritance. Affected: yes.

NM_005477.3(HCN4):c.*414C>A

Gene: HCN4 (hyperpolarization activated cyclic nucleotide gated potassium channel 4; minus strand). Cytogenetic location: 15q24.1.
Variant type: single nucleotide variant.
Coding change: c.*414C>A on transcript NM_005477.3 (MANE Select); 414 bases downstream of the stop codon, C replaced by A.
Molecular consequence: 3 prime UTR variant.
Genome position (GRCh38, 1-based): chr15:73,322,067, G>T on the plus strand (C>A on the coding strand, the complement: HCN4 is on the minus strand). VCF-style: chr15-73322067-G-T. GRCh37 (hg19) VCF-style: chr15-73614408-G-T.
Identifiers: ClinVar variation 884691 (VCV000884691.5), dbSNP rs3743496, ClinGen allele CA14106085.
Genomic context (GRCh38, chr15:73,322,067, plus strand): 5'-TCCCAAGGTCGCAGGCTTCTGAGGCTCCCCAGGGCACACCCCAGGGCAGCCCCTTTCTGG[G>T]GGCAGAGTGGAGCTCCAAGTTACAGCTAACGGGCTGATGGCAGCTGTTTCTCTAAATGAA-3'